The following is an entry in ClinVar:

ClinVar aggregate classification (germline): Likely benign (1 of 4 stars; one submission).

Allele frequency attached by ClinVar (database versions not stated): 1000 Genomes Project 0.00300; 1000 Genomes Project 30x 0.00328; gnomAD 0.00699; TOPMed 0.00713; gnomAD exomes 0.00905.
gnomAD v4.1: 5,653 of 657,852 alleles (0.86%); highest among the groups gnomAD compares: Non-Finnish European, 1.2%; 38 homozygotes.

Submission:

GeneDx
Classification: Likely benign. Last evaluated: 2021-05-17. Review status: criteria provided, single submitter. Criteria: GeneDx Variant Classification Process June 2021. Collection method: clinical testing. Allele origin: germline. Affected: yes.
Comment: See Variant Classification Assertion Criteria.

NM_001351132.2(PEX5):c.449-112G>A

Gene: PEX5 (peroxisomal biogenesis factor 5; plus strand). Cytogenetic location: 12p13.31.
Variant type: single nucleotide variant.
Coding change: c.449-112G>A on transcript NM_001351132.2 (MANE Select); 112 bases into the intron before coding-DNA position 449, G replaced by A.
Molecular consequence: intron variant.
Genome position (GRCh38, 1-based): chr12:7,198,899, G>A. VCF-style: chr12-7198899-G-A. GRCh37 (hg19) VCF-style: chr12-7351495-G-A.
Other names: c.449-112G>A (NM_001351124.3, NM_001131026.2, NM_001351131.2 and 19 more transcripts); c.494-112G>A (NM_001351135.3, NM_001131023.2, NM_001351138.2).
Identifiers: ClinVar variation 1707091 (VCV001707091.2), dbSNP rs140366948, ClinGen allele CA232468336.
Genomic context (GRCh38, chr12:7,198,899, plus strand): 5'-TTGAAAATTTAGTACTATATTCTTTTGACCAGGGGTTTCTGAGGGAGTCAGCAGAGTTTT[G>A]TCTGCTTTGGTGTGGCTAAGAGGGTCAGTTGAATATGGGCATCTCTTTCCCTTTCCTTGA-3'